The following is an entry in ClinVar:

ClinVar aggregate classification (germline): Likely pathogenic (1 of 4 stars; one submission).

Submission:

Labcorp Genetics (formerly Invitae), Labcorp
Classification: Likely pathogenic. Last evaluated: 2023-05-10. Review status: criteria provided, single submitter. Criteria: Invitae Variant Classification Sherloc (09022015). Collection method: clinical testing. Allele origin: germline.
Comment: In summary, the currently available evidence indicates that the variant is pathogenic, but additional data are needed to prove that conclusively. Therefore, this variant has been classified as Likely Pathogenic. Algorithms developed to predict the effect of sequence changes on RNA splicing suggest that this variant may disrupt the consensus splice site. This variant has not been reported in the literature in individuals affected with COL18A1-related conditions. This variant is not present in population databases (gnomAD no frequency). This sequence change affects a donor splice site in intron 26 of the COL18A1 gene. It is expected to disrupt RNA splicing. Variants that disrupt the donor or acceptor splice site typically lead to a loss of protein function (PMID: 16199547), and loss-of-function variants in COL18A1 are known to be pathogenic (PMID: 12415512, 25456301).

Literature cited by the submitters: PubMed 16199547; PubMed 12415512; PubMed 25456301.

NM_001379500.1(COL18A1):c.2352+2T>C

Gene: COL18A1 (collagen type XVIII alpha 1 chain; plus strand). Cytogenetic location: 21q22.3.
Variant type: single nucleotide variant.
Coding change: c.2352+2T>C on transcript NM_001379500.1 (MANE Select); the canonical splice donor site of the intron after coding-DNA position 2352, T replaced by C.
Molecular consequence: splice donor variant.
Genome position (GRCh38, 1-based): chr21:45,493,577, T>C. VCF-style: chr21-45493577-T-C. GRCh37 (hg19) VCF-style: chr21-46913491-T-C.
Other names: c.3597+2T>C (NM_130444.3); c.2892+2T>C (NM_030582.4).
Identifiers: ClinVar variation 3005559 (VCV003005559.3), dbSNP rs900062138, ClinGen allele CA410497539.